The following is an entry in ClinVar:

NM_152513.4(MEI1):c.2816-9C>T

Gene: MEI1 (meiotic double-stranded break formation protein 1; plus strand). Cytogenetic location: 22q13.2.
Variant type: single nucleotide variant.
Coding change: c.2816-9C>T on transcript NM_152513.4 (MANE Select); 9 bases into the intron before coding-DNA position 2816, C replaced by T.
Molecular consequence: intron variant.
Genome position (GRCh38, 1-based): chr22:41,781,275, C>T. VCF-style: chr22-41781275-C-T. GRCh37 (hg19) VCF-style: chr22-42177279-C-T.
Identifiers: ClinVar variation 3034291 (VCV003034291.2), dbSNP rs1363918205, ClinGen allele CA753259609.

ClinVar aggregate classification (germline): Likely benign (0 of 4 stars; one submission).

Conditions:
MEI1-related disorder. Also called: MEI1-related condition.

Allele frequency attached by ClinVar (database versions not stated): gnomAD 0.00001; TOPMed 0.00001.

Submission:

PreventionGenetics, part of Exact Sciences
Classification: Likely benign for MEI1-related condition. Last evaluated: 2019-06-14. Review status: no assertion criteria provided. Collection method: clinical testing. Allele origin: germline.
Comment: This variant is classified as likely benign based on ACMG/AMP sequence variant interpretation guidelines (Richards et al. 2015 PMID: 25741868, with internal and published modifications).